The following is an entry in ClinVar:

ClinVar aggregate classification (germline): Likely pathogenic (1 of 4 stars; one submission).

Conditions:
Hereditary cancer-predisposing syndrome. Also called: Tumor predisposition; Neoplastic Syndromes, Hereditary; Hereditary neoplastic syndrome; Hereditary Cancer Syndrome. Identifiers: Orphanet 140162, MedGen C0027672, MeSH D009386, MONDO:0015356.

Submission:

Molecular Diagnostics Laboratory, Catalan Institute of Oncology
Classification: Likely pathogenic for Hereditary cancer-predisposing syndrome. Last evaluated: 2025-08-26. Review status: criteria provided, single submitter. Criteria: ACMG Guidelines, 2015. Collection method: clinical testing. Allele origin: germline.
Comment: PVS1, PM2_Supporting c.1637del, located in exon 17 of the RB1 gene, consists in the deletion of 1 nucleotide, causing a translational frameshift with a predicted alternate stop codon, p.(Met546Argfs*2). This alteration is expected to result in loss of function by premature protein truncation and nonsense-mediated mRNA decay (PVS1). No effect is predicted on splicing by SpliceAI. It is not present in the population database gnomAD v2.1.1, non cancer dataset (PM2_Supporting). To our knowledge, neither relevant clinical data nor well-established functional studies have been reported for this variant. Also, it has not been reported in ClinVar or LOVD databases. Based on the currently available evidence, c.1637del is classified as a likely pathogenic variant according to ACMG guidelines.

NM_000321.3(RB1):c.1637del (p.Met546fs)

Gene: RB1 (RB transcriptional corepressor 1; plus strand). Cytogenetic location: 13q14.2.
Variant type: Deletion.
Coding change: c.1637del on transcript NM_000321.3 (MANE Select); coding-DNA position 1637, one base deleted (T; older notation c.1637delT).
Protein change: p.Met546fs; shifts the reading frame from methionine 546.
Molecular consequence: frameshift variant.
Genome position (GRCh38, 1-based): chr13:48,381,385, T deleted. VCF-style (leftmost placement, unchanged base first): chr13-48381384-AT-A. GRCh37 (hg19) VCF-style: chr13-48955520-AT-A.
Other names: c.1637del, p.Met546fs (NM_001407165.1, NM_001407166.1); short protein forms M546fs.
Identifiers: ClinVar variation 4082302 (VCV004082302.1).